The following is an entry in ClinVar:

NM_001134407.3(GRIN2A):c.2595+16G>A

Gene: GRIN2A (glutamate ionotropic receptor NMDA type subunit 2A; minus strand). Cytogenetic location: 16p13.2.
Variant type: single nucleotide variant.
Coding change: c.2595+16G>A on transcript NM_001134407.3 (MANE Select); 16 bases into the intron after coding-DNA position 2595, G replaced by A.
Molecular consequence: intron variant.
Genome position (GRCh38, 1-based): chr16:9,768,835, C>T on the plus strand (G>A on the coding strand, the complement: GRIN2A is on the minus strand). VCF-style: chr16-9768835-C-T. GRCh37 (hg19) VCF-style: chr16-9862692-C-T.
Other names: c.2595+16G>A (NM_001134408.2, NM_000833.5).
Identifiers: ClinVar variation 389837 (VCV000389837.4), dbSNP rs779583842, ClinGen allele CA7896474.
Genomic context (GRCh38, chr16:9,768,835, plus strand): 5'-CACTGAGACATCAAGAACCCAAGCGCTTTTCTAAACCTGCTTGCAGTGCAAGAAAGTAGC[C>T]ACCCGGTGTACTGACCCTGCTGATGGAGAAGAGCAACCCAGGCCGGTCGGAGCACACGCC-3'

ClinVar aggregate classification (germline): Likely benign. Review status: criteria provided, multiple submitters, no conflicts (2 of 4 stars). 2 submissions from 2 submitters: Likely benign (2). Last evaluated 2025-05-01.

Conditions:
Landau-Kleffner syndrome (FESD). Also called: EPILEPSY, FOCAL, WITH SPEECH DISORDER AND WITH OR WITHOUT MENTAL RETARDATION; APHASIA, ACQUIRED, WITH EPILEPSY. Identifiers: Orphanet 1945, Orphanet 725, Orphanet 98818, MedGen C0282512, MONDO:0009509, OMIM 245570.

Allele frequency attached by ClinVar (database versions not stated): ExAC 0.00001; gnomAD exomes below 0.00001 and 0.00001; TOPMed 0.00001.
gnomAD v4.1: 6 of 1,576,306 alleles (0.00038%); highest among the groups gnomAD compares: South Asian, 0.0055%; no homozygotes.

Submissions (2):

Labcorp Genetics (formerly Invitae), Labcorp
Classification: Likely benign for Landau-Kleffner syndrome. Last evaluated: 2025-05-01. Review status: criteria provided, single submitter. Criteria: Invitae Variant Classification Sherloc (09022015). Collection method: clinical testing. Allele origin: germline.

GeneDx
Classification: Likely benign. Last evaluated: 2016-10-06. Review status: criteria provided, single submitter. Criteria: GeneDx Variant Classification (06012015). Collection method: clinical testing. Allele origin: germline. Affected: yes.
Comment: This variant is considered likely benign or benign based on one or more of the following criteria: it is a conservative change, it occurs at a poorly conserved position in the protein, it is predicted to be benign by multiple in silico algorithms, and/or has population frequency not consistent with disease.